The following is an entry in ClinVar:

NM_173598.6(KSR2):c.787C>T (p.Arg263Cys)

Gene: KSR2 (kinase suppressor of ras 2; minus strand). Cytogenetic location: 12q24.23.
Variant type: single nucleotide variant.
Coding change: c.787C>T on transcript NM_173598.6 (MANE Select); coding-DNA position 787, C replaced by T.
Protein change: p.Arg263Cys; replaces arginine 263 with cysteine.
Molecular consequence: missense variant.
Genome position (GRCh38, 1-based): chr12:117,761,210, G>A on the plus strand (C>T on the coding strand, the complement: KSR2 is on the minus strand). VCF-style: chr12-117761210-G-A. GRCh37 (hg19) VCF-style: chr12-118199015-G-A.
Other names: short protein forms R263C.
Identifiers: ClinVar variation 3059308 (VCV003059308.3), dbSNP rs748664847, ClinGen allele CA6816252.
Genomic context (GRCh38, chr12:117,761,210, plus strand): 5'-TCTTCTTCCTCATGGGCGGCGTGCCCGGCGGGGTCACGGTGGTGACGATGTTGGGGGTGC[G>A]CGGCGGGGTGCGGACCGCGTGCCGCTGCCGGGGCGATGGGGGCAGGGAACGGTGGCCCGA-3'
Protein context (NP_775869.4, residues 253-273): RQRHAVRTPP[Arg263Cys]TPNIVTTVTP

ClinVar aggregate classification (germline): Uncertain significance. Review status: criteria provided, single submitter (1 of 4 stars). 2 submissions from 2 submitters: Uncertain significance (1). 1 of the submissions does not count toward it. Last evaluated 2025-10-06.

Conditions:
KSR2-related disorder. Also called: KSR2-related condition.

Allele frequency attached by ClinVar (database versions not stated): gnomAD 0.00003; ExAC 0.00003; TOPMed 0.00006.

Submissions (2):

Ambry Genetics
Classification: Uncertain significance. Last evaluated: 2025-10-06. Review status: criteria provided, single submitter. Criteria: Ambry Variant Classification Scheme 2023. Collection method: clinical testing. Allele origin: germline.

PreventionGenetics, part of Exact Sciences
Classification: Uncertain significance for KSR2-related condition. Last evaluated: 2024-01-02. Review status: no assertion criteria provided. Collection method: clinical testing. Allele origin: germline. Not counted in ClinVar's aggregate classification.
Comment: The KSR2 c.700C>T variant is predicted to result in the amino acid substitution p.Arg234Cys. To our knowledge, this variant has not been reported in the literature. This variant is reported in 0.013% of alleles in individuals of African descent in gnomAD. At this time, the clinical significance of this variant is uncertain due to the absence of conclusive functional and genetic evidence.